The following is an entry in ClinVar:

ClinVar aggregate classification (germline): Uncertain significance. Review status: criteria provided, multiple submitters, no conflicts (2 of 4 stars). 2 submissions from 2 submitters: Uncertain significance (2). Last evaluated 2024-04-20.

Allele frequency attached by ClinVar (database versions not stated): gnomAD exomes below 0.00001.
gnomAD v4.1: 2 of 1,613,662 alleles (0.00012%); highest among the groups gnomAD compares: African/African-American, 0.0013%; no homozygotes.

Submissions (2):

Ambry Genetics
Classification: Uncertain significance. Last evaluated: 2024-04-20. Review status: criteria provided, single submitter. Criteria: Ambry Variant Classification Scheme 2023. Collection method: clinical testing. Allele origin: germline.

Labcorp Genetics (formerly Invitae), Labcorp
Classification: Uncertain significance. Last evaluated: 2022-10-22. Review status: criteria provided, single submitter. Criteria: Invitae Variant Classification Sherloc (09022015). Collection method: clinical testing. Allele origin: germline.
Comment: The frequency data for this variant in the population databases is considered unreliable, as metrics indicate poor data quality at this position in the gnomAD database. This variant has not been reported in the literature in individuals affected with FBN3-related conditions. Advanced modeling of protein sequence and biophysical properties (such as structural, functional, and spatial information, amino acid conservation, physicochemical variation, residue mobility, and thermodynamic stability) performed at Invitae indicates that this missense variant is not expected to disrupt FBN3 protein function. In summary, the available evidence is currently insufficient to determine the role of this variant in disease. Therefore, it has been classified as a Variant of Uncertain Significance. This sequence change replaces glycine, which is neutral and non-polar, with valine, which is neutral and non-polar, at codon 600 of the FBN3 protein (p.Gly600Val).

NM_032447.5(FBN3):c.1799G>T (p.Gly600Val)

Gene: FBN3 (fibrillin 3; minus strand). Cytogenetic location: 19p13.2.
Variant type: single nucleotide variant.
Coding change: c.1799G>T on transcript NM_032447.5 (MANE Select); coding-DNA position 1799, G replaced by T.
Protein change: p.Gly600Val; replaces glycine 600 with valine.
Molecular consequence: missense variant.
Genome position (GRCh38, 1-based): chr19:8,131,745, C>A on the plus strand (G>T on the coding strand, the complement: FBN3 is on the minus strand). VCF-style: chr19-8131745-C-A. GRCh37 (hg19) VCF-style: chr19-8196629-C-A.
Other names: c.1799G>T, p.Gly600Val (NM_001321431.2); c.1799G>T (NM_032447.3); short protein forms G600V.
Identifiers: ClinVar variation 2068387 (VCV002068387.5), dbSNP rs1483084758, ClinGen allele CA403705703.